The following is an entry in ClinVar:

ClinVar aggregate classification (germline): Likely benign (1 of 4 stars; one submission).

gnomAD v4.1: 6 of 1,613,956 alleles (0.00037%); highest among the groups gnomAD compares: African/African-American, 0.0013%; no homozygotes.

Submission:

CeGaT Center for Human Genetics Tuebingen
Classification: Likely benign. Last evaluated: 2026-01-01. Review status: criteria provided, single submitter. Criteria: CeGaT Center For Human Genetics Tuebingen Variant Classification Criteria Version 2. Collection method: clinical testing. Allele origin: germline. Affected: yes. Observed: 1 variant allele.
Comment: ANLN: BP4, BS2

NM_018685.5(ANLN):c.1894G>A (p.Glu632Lys)

Gene: ANLN (anillin, actin binding protein; plus strand). Cytogenetic location: 7p14.2.
Variant type: single nucleotide variant.
Coding change: c.1894G>A on transcript NM_018685.5 (MANE Select); coding-DNA position 1894, G replaced by A.
Protein change: p.Glu632Lys; replaces glutamic acid 632 with lysine.
Molecular consequence: missense variant.
Genome position (GRCh38, 1-based): chr7:36,420,193, G>A. VCF-style: chr7-36420193-G-A. GRCh37 (hg19) VCF-style: chr7-36459802-G-A.
Other names: c.1783G>A, p.Glu595Lys (NM_001284301.3); c.1780G>A, p.Glu594Lys (NM_001284302.3); short protein forms E594K, E595K, E632K.
Identifiers: ClinVar variation 4823191 (VCV004823191.4).